The following is an entry in ClinVar:

ClinVar aggregate classification (germline): Uncertain significance (1 of 4 stars; one submission).

Allele frequency attached by ClinVar (database versions not stated): ExAC 0.00001; gnomAD 0.00001; TOPMed 0.00001; gnomAD exomes 0.00002.
gnomAD v4.1: 28 of 1,613,986 alleles (0.0017%); highest among the groups gnomAD compares: Non-Finnish European, 0.0022%; no homozygotes.

Submission:

Labcorp Genetics (formerly Invitae), Labcorp
Classification: Uncertain significance. Last evaluated: 2022-01-20. Review status: criteria provided, single submitter. Criteria: Invitae Variant Classification Sherloc (09022015). Collection method: clinical testing. Allele origin: germline.
Comment: This sequence change replaces aspartic acid, which is acidic and polar, with asparagine, which is neutral and polar, at codon 335 of the C8B protein (p.Asp335Asn). This variant is present in population databases (rs750289971, gnomAD 0.002%). This variant has not been reported in the literature in individuals affected with C8B-related conditions. Algorithms developed to predict the effect of missense changes on protein structure and function are either unavailable or do not agree on the potential impact of this missense change (SIFT: "Deleterious"; PolyPhen-2: "Benign"; Align-GVGD: "Class C0"). In summary, the available evidence is currently insufficient to determine the role of this variant in disease. Therefore, it has been classified as a Variant of Uncertain Significance.

NM_000066.4(C8B):c.1003G>A (p.Asp335Asn)

Gene: C8B (complement C8 beta chain; minus strand). Cytogenetic location: 1p32.2.
Variant type: single nucleotide variant.
Coding change: c.1003G>A on transcript NM_000066.4 (MANE Select); coding-DNA position 1003, G replaced by A.
Protein change: p.Asp335Asn; replaces aspartic acid 335 with asparagine.
Molecular consequence: missense variant.
Genome position (GRCh38, 1-based): chr1:56,945,923, C>T on the plus strand (G>A on the coding strand, the complement: C8B is on the minus strand). VCF-style: chr1-56945923-C-T. GRCh37 (hg19) VCF-style: chr1-57411596-C-T.
Other names: c.847G>A, p.Asp283Asn (NM_001278543.2); c.817G>A, p.Asp273Asn (NM_001278544.2); short protein forms D283N, D335N, D273N.
Identifiers: ClinVar variation 1986124 (VCV001986124.1), dbSNP rs750289971, ClinGen allele CA875788.
Genomic context (GRCh38, chr1:56,945,923, plus strand): 5'-CATAAATGCCCCCAAGCACAGCCTCTGTGATGTAGTGGGTCCCAAAATCACGGAAGAGAT[C>T]TCTGTATTCCCCGTAGCTGTACTCCAGGGGCAGCCGCTTAACTCTCTGAAGGAACTCGTA-3'
Protein context (NP_000057.3, residues 325-345): PLEYSYGEYR[Asp335Asn]LFRDFGTHYI